The following is an entry in ClinVar:

NM_001261826.3(AP3D1):c.806+60G>T

Gene: AP3D1 (adaptor related protein complex 3 subunit delta 1; minus strand). Cytogenetic location: 19p13.3.
Variant type: single nucleotide variant.
Coding change: c.806+60G>T on transcript NM_001261826.3 (MANE Select); 60 bases into the intron after coding-DNA position 806, G replaced by T.
Molecular consequence: intron variant.
Genome position (GRCh38, 1-based): chr19:2,129,030, C>A on the plus strand (G>T on the coding strand, the complement: AP3D1 is on the minus strand). VCF-style: chr19-2129030-C-A. GRCh37 (hg19) VCF-style: chr19-2129029-C-A.
Other names: c.806+60G>T (NM_003938.8, NM_001374799.1).
Identifiers: ClinVar variation 2628282 (VCV002628282.2), dbSNP rs59192911, ClinGen allele CA304169863.
Genomic context (GRCh38, chr19:2,129,030, plus strand): 5'-TGGAGCCGGCCCGCCCCCGCCGCTCCGACACTGCACCCCGTGGAGCCGGCCCGCCCCCGC[C>A]GCTCCGACACTGCACCCCGTGGAGCCGGCCCGCCCCCACCGCGCATGGCCTGCACTCACC-3'

ClinVar aggregate classification (germline): Benign (1 of 4 stars; one submission).

Allele frequency attached by ClinVar (database versions not stated): 1000 Genomes Project 0.23522.

Submission:

Unidad de Genómica Garrahan, Hospital de Pediatría Garrahan
Classification: Benign. Last evaluated: 2023-11-12. Review status: criteria provided, single submitter. Criteria: ACMG Guidelines, 2015. Collection method: clinical testing. Allele origin: germline. Affected: no. Observed: 21 variant alleles.
Comment: This variant is classified as Benign based on local population frequency. This variant was detected in 22% of patients studied by a panel of primary immunodeficiencies. Number of patients: 21. Only high quality variants are reported.